The following is an entry in ClinVar:

ClinVar aggregate classification (germline): Uncertain significance (1 of 4 stars; one submission).

Submission:

Labcorp Genetics (formerly Invitae), Labcorp
Classification: Uncertain significance. Last evaluated: 2024-11-18. Review status: criteria provided, single submitter. Criteria: Invitae Variant Classification Sherloc (09022015). Collection method: clinical testing. Allele origin: germline.
Comment: This sequence change replaces arginine, which is basic and polar, with leucine, which is neutral and non-polar, at codon 2441 of the MTOR protein (p.Arg2441Leu). This variant is not present in population databases (gnomAD no frequency). This variant has not been reported in the literature in individuals affected with MTOR-related conditions. ClinVar contains an entry for this variant (Variation ID: 1507727). Invitae Evidence Modeling of protein sequence and biophysical properties (such as structural, functional, and spatial information, amino acid conservation, physicochemical variation, residue mobility, and thermodynamic stability) has been performed for this missense variant. However, the output from this modeling did not meet the statistical confidence thresholds required to predict the impact of this variant on MTOR protein function. In summary, the available evidence is currently insufficient to determine the role of this variant in disease. Therefore, it has been classified as a Variant of Uncertain Significance.

NM_004958.4(MTOR):c.7322G>T (p.Arg2441Leu)

Gene: MTOR (mechanistic target of rapamycin kinase; minus strand). Cytogenetic location: 1p36.22.
Variant type: single nucleotide variant.
Coding change: c.7322G>T on transcript NM_004958.4 (MANE Select); coding-DNA position 7322, G replaced by T.
Protein change: p.Arg2441Leu; replaces arginine 2441 with leucine.
Molecular consequence: missense variant.
Genome position (GRCh38, 1-based): chr1:11,112,896, C>A on the plus strand (G>T on the coding strand, the complement: MTOR is on the minus strand). VCF-style: chr1-11112896-C-A. GRCh37 (hg19) VCF-style: chr1-11172953-C-A.
Other names: c.7322G>T, p.Arg2441Leu (NM_001386500.1); c.6074G>T, p.Arg2025Leu (NM_001386501.1); short protein forms R2441L, R2025L.
Identifiers: ClinVar variation 1507727 (VCV001507727.6), dbSNP rs1413993125, ClinGen allele CA338380512.
Genomic context (GRCh38, chr1:11,112,896, plus strand): 5'-CCGTGGATGCACCTACCGACTGACTGGCCAGCAGAGTAGGAATCCGTCCTCGTTCGGGAT[C>A]GCTTGTTGCCTTTGGTATTTGCTAGGGAGAGAAATAAAGAGTATTGAAACATGCTTCAAA-3'
Protein context (NP_004949.1, residues 2431-2451): LMDTNTKGNK[Arg2441Leu]SRTRTDSYSA